The following is an entry in ClinVar:

ClinVar aggregate classification (germline): Conflicting classifications of pathogenicity. Review status: criteria provided, conflicting classifications (1 of 4 stars). 2 submissions from 2 submitters: Likely pathogenic (1); Uncertain significance (1). Last evaluated 2026-03-13.

Conditions:
Autosomal dominant Alport syndrome (ATS3A). Also called: ALPORT SYNDROME 3A, AUTOSOMAL DOMINANT; Alport syndrome dominant type; Renal failure and sensorineural hearing loss. Identifiers: Orphanet 63, Orphanet 88918, MedGen C5882663, MONDO:0007086, OMIM 104200.
Hematuria, benign familial, 2 (BFH2). Identifiers: MedGen C5830421, MONDO:0958186, OMIM 620320.

Submissions (2):

Centre de Génétique Humaine, Institut de Pathologie Et de Génétique
Classification: Likely pathogenic for Autosomal dominant Alport syndrome; Hematuria, benign familial, 2. Last evaluated: 2026-03-13. Review status: criteria provided, single submitter. Criteria: ACMG Guidelines, 2015. Collection method: clinical testing. Allele origin: maternal, germline. Inheritance: Autosomal dominant inheritance. Affected: yes. Observed: 2 variant alleles, 2 heterozygotes. Clinical features observed: Microscopic hematuria (HP:0002907), Proteinuria (HP:0000093). Segregation with disease observed.
Comment: This missense variant involves a highly conserved glycine located in a ‘Gly-X-Y’ motif in collagenous region, which is characteristic of the pathogenic variants identified in the COL4A3 gene (PM1,PP2). This variant is rare: absent in gnomAD v4.1.0 database (PM2); In silico analysis supports that this missense variant has a deleterious effect (PP3). Another missense variant affecting the same residue described : c.3733G>C, p.Gly1245Arg décrit : PMID: 38262496 (PM5).

Labcorp Genetics (formerly Invitae), Labcorp
Classification: Uncertain significance. Last evaluated: 2021-05-18. Review status: criteria provided, single submitter. Criteria: Invitae Variant Classification Sherloc (09022015). Collection method: clinical testing. Allele origin: germline.
Comment: This sequence change replaces glycine with serine at codon 1245 of the COL4A3 protein (p.Gly1245Ser). The glycine residue is highly conserved and there is a small physicochemical difference between glycine and serine. This variant is not present in population databases (ExAC no frequency). This variant has not been reported in the literature in individuals with COL4A3-related conditions. Advanced modeling of protein sequence and biophysical properties (such as structural, functional, and spatial information, amino acid conservation, physicochemical variation, residue mobility, and thermodynamic stability) performed at Invitae indicates that this missense variant is expected to disrupt COL4A3 protein function. In summary, the available evidence is currently insufficient to determine the role of this variant in disease. Therefore, it has been classified as a Variant of Uncertain Significance.

NM_000091.5(COL4A3):c.3733G>A (p.Gly1245Ser)

Genes: COL4A3 (collagen type IV alpha 3 chain; plus strand), MFF-DT (MFF divergent transcript; minus strand). Cytogenetic location: 2q36.3.
Variant type: single nucleotide variant.
Coding change: c.3733G>A on transcript NM_000091.5 (MANE Select); coding-DNA position 3733, G replaced by A.
Protein change: p.Gly1245Ser; replaces glycine 1245 with serine.
Molecular consequence: missense variant.
Genome position (GRCh38, 1-based): chr2:227,297,841, G>A. VCF-style: chr2-227297841-G-A. GRCh37 (hg19) VCF-style: chr2-228162557-G-A.
Other names: p.(Gly1245Ser); short protein forms G1245S.
Identifiers: ClinVar variation 1354737 (VCV001354737.9), dbSNP rs2106247545, ClinGen allele CA350860499.
Genomic context (GRCh38, chr2:227,297,841, plus strand): 5'-GGGCCACCAGGTCTGCCCGGTGCAATTATCCCTGGCCAGACAGGAAATCGTGGTCCACCA[G>A]GCTCAAGAGGAAGCCCAGGTAAAGGGTTTACTTTTAAACAGCATAAAATAACAAAAATCA-3'
Protein context (NP_000082.2, residues 1235-1255): PGQTGNRGPP[Gly1245Ser]SRGSPGAPGP